The following is an entry in ClinVar:

ClinVar aggregate classification (germline): Uncertain significance (1 of 4 stars; one submission).

Conditions:
Neuroblastoma, susceptibility to, 3. Also called: ALK-Related Neuroblastic Tumor Susceptibility. Identifiers: Orphanet 635, MedGen C2751681, MONDO:0013083, OMIM 613014.

Submission:

Labcorp Genetics (formerly Invitae), Labcorp
Classification: Uncertain significance for Neuroblastoma, susceptibility to, 3. Last evaluated: 2023-07-25. Review status: criteria provided, single submitter. Criteria: Invitae Variant Classification Sherloc (09022015). Collection method: clinical testing. Allele origin: germline.
Comment: This sequence change replaces glycine, which is neutral and non-polar, with serine, which is neutral and polar, at codon 963 of the ALK protein (p.Gly963Ser). This variant is not present in population databases (gnomAD no frequency). This variant has not been reported in the literature in individuals affected with ALK-related conditions. An algorithm developed to predict the effect of missense changes on protein structure and function (PolyPhen-2) suggests that this variant is likely to be disruptive. In summary, the available evidence is currently insufficient to determine the role of this variant in disease. Therefore, it has been classified as a Variant of Uncertain Significance.

NM_004304.5(ALK):c.2887G>A (p.Gly963Ser)

Gene: ALK (ALK receptor tyrosine kinase; minus strand). Cytogenetic location: 2p23.2.
Variant type: single nucleotide variant.
Coding change: c.2887G>A on transcript NM_004304.5 (MANE Select); coding-DNA position 2887, G replaced by A.
Protein change: p.Gly963Ser; replaces glycine 963 with serine.
Molecular consequence: missense variant.
Genome position (GRCh38, 1-based): chr2:29,227,601, C>T on the plus strand (G>A on the coding strand, the complement: ALK is on the minus strand). VCF-style: chr2-29227601-C-T. GRCh37 (hg19) VCF-style: chr2-29450467-C-T.
Other names: short protein forms G963S.
Identifiers: ClinVar variation 2746890 (VCV002746890.3), dbSNP rs2465973448, ClinGen allele CA346468390.